The following is an entry in ClinVar:

NM_005068.3(SIM1):c.104C>T (p.Ser35Leu)

Gene: SIM1 (SIM bHLH transcription factor 1; minus strand). Cytogenetic location: 6q16.3.
Variant type: single nucleotide variant.
Coding change: c.104C>T on transcript NM_005068.3 (MANE Select); coding-DNA position 104, C replaced by T.
Protein change: p.Ser35Leu; replaces serine 35 with leucine.
Molecular consequence: missense variant.
Genome position (GRCh38, 1-based): chr6:100,463,365, G>A on the plus strand (C>T on the coding strand, the complement: SIM1 is on the minus strand). VCF-style: chr6-100463365-G-A. GRCh37 (hg19) VCF-style: chr6-100911241-G-A.
Other names: c.104C>T, p.Ser35Leu (NM_001374769.1); short protein forms S35L.
Identifiers: ClinVar variation 3355193 (VCV003355193.2).
Genomic context (GRCh38, chr6:100,463,365, plus strand): 5'-ACCACTCTCATTTTGAGATAGCTGGTCGTGAGTCTGATTATGGATGCTTTGTCCAGCTGC[G>A]AGGTGATAGCCGAGGGCAAAGGCAGTAATTTAGCCAGTTCATAAAATTCACTGTTTTCCT-3'
Protein context (NP_005059.2, residues 25-45): KLLPLPSAIT[Ser35Leu]QLDKASIIRL

ClinVar aggregate classification (germline): Uncertain significance (1 of 4 stars; one submission).

Conditions:
SIM1-related disorder. Also called: SIM1-related disorders; SIM1-related condition.

gnomAD v4.1: 4 of 1,614,050 alleles (0.00025%); highest among the groups gnomAD compares: South Asian, 0.0011%; no homozygotes.

Submission:

PreventionGenetics, part of Exact Sciences
Classification: Uncertain significance for SIM1-related condition. Last evaluated: 2025-09-30. Review status: criteria provided, single submitter. Criteria: ACMG Guidelines, 2015. Collection method: clinical testing. Allele origin: germline.
Comment: The SIM1 c.104C>T variant is predicted to result in the amino acid substitution p.Ser35Leu. To our knowledge, this variant has not been reported in the literature. This variant is reported in 0.00088% of alleles in individuals of European (Non-Finnish) descent in gnomAD. At this time, the clinical significance of this variant is uncertain due to the absence of conclusive functional and genetic evidence.